The following is an entry in ClinVar:

NM_004551.3(NDUFS3):c.712C>T (p.Pro238Ser)

Gene: NDUFS3 (NADH:ubiquinone oxidoreductase core subunit S3; plus strand). Cytogenetic location: 11p11.2.
Variant type: single nucleotide variant.
Coding change: c.712C>T on transcript NM_004551.3 (MANE Select); coding-DNA position 712, C replaced by T.
Protein change: p.Pro238Ser; replaces proline 238 with serine.
Molecular consequence: missense variant.
Genome position (GRCh38, 1-based): chr11:47,584,398, C>T. VCF-style: chr11-47584398-C-T. GRCh37 (hg19) VCF-style: chr11-47605950-C-T.
Other names: short protein forms P238S.
Identifiers: ClinVar variation 1712080 (VCV001712080.5), dbSNP rs760957845, ClinGen allele CA5978081.

ClinVar aggregate classification (germline): Uncertain significance. Review status: criteria provided, multiple submitters, no conflicts (2 of 4 stars). 2 submissions from 2 submitters: Uncertain significance (2). Last evaluated 2024-08-14.

Allele frequency attached by ClinVar (database versions not stated): gnomAD 0.00001; gnomAD exomes 0.00002; ExAC 0.00004; TOPMed 0.00008.

Submissions (2):

Labcorp Genetics (formerly Invitae), Labcorp
Classification: Uncertain significance. Last evaluated: 2024-08-14. Review status: criteria provided, single submitter. Criteria: Invitae Variant Classification Sherloc (09022015). Collection method: clinical testing. Allele origin: germline.
Comment: This sequence change replaces proline, which is neutral and non-polar, with serine, which is neutral and polar, at codon 238 of the NDUFS3 protein (p.Pro238Ser). This variant is present in population databases (rs760957845, gnomAD 0.05%). This variant has not been reported in the literature in individuals affected with NDUFS3-related conditions. ClinVar contains an entry for this variant (Variation ID: 1712080). Invitae Evidence Modeling of protein sequence and biophysical properties (such as structural, functional, and spatial information, amino acid conservation, physicochemical variation, residue mobility, and thermodynamic stability) indicates that this missense variant is expected to disrupt NDUFS3 protein function with a positive predictive value of 80%. In summary, the available evidence is currently insufficient to determine the role of this variant in disease. Therefore, it has been classified as a Variant of Uncertain Significance.

GeneDx
Classification: Uncertain significance. Last evaluated: 2022-04-20. Review status: criteria provided, single submitter. Criteria: GeneDx Variant Classification Process June 2021. Collection method: clinical testing. Allele origin: germline. Affected: yes.
Comment: In silico analysis supports that this missense variant has a deleterious effect on protein structure/function; Has not been previously published as pathogenic or benign to our knowledge